The following is an entry in ClinVar:

NM_000094.4(COL7A1):c.6215A>G (p.Gln2072Arg)

Gene: COL7A1 (collagen type VII alpha 1 chain; minus strand). Cytogenetic location: 3p21.31.
Variant type: single nucleotide variant.
Coding change: c.6215A>G on transcript NM_000094.4 (MANE Select); coding-DNA position 6215, A replaced by G.
Protein change: p.Gln2072Arg; replaces glutamine 2072 with arginine.
Molecular consequence: missense variant.
Genome position (GRCh38, 1-based): chr3:48,575,208, T>C on the plus strand (A>G on the coding strand, the complement: COL7A1 is on the minus strand). VCF-style: chr3-48575208-T-C. GRCh37 (hg19) VCF-style: chr3-48612641-T-C.
Other names: short protein forms Q2072R.
Identifiers: ClinVar variation 1711979 (VCV001711979.4), dbSNP rs2530965674, ClinGen allele CA352662525.
Genomic context (GRCh38, chr3:48,575,208, plus strand): 5'-GGTGGCAGCCCCAGCACAGCCTCCAGACAGCCTGCCCCACGAAGCCCATCGCAGCCCACC[T>C]GTTCTCCACGTTCTCCTTTCTCTCCCCGTTCTCCCTGAAATGCAAATAGCGGGTGAGGGC-3'
Protein context (NP_000085.1, residues 2062-2082): ERGEKGERGE[Gln2072Arg]GRDGPPGLPG

ClinVar aggregate classification (germline): Pathogenic. Review status: criteria provided, multiple submitters, no conflicts (2 of 4 stars). 2 submissions from 2 submitters: Pathogenic (2). Last evaluated 2024-06-05.

Submissions (2):

Labcorp Genetics (formerly Invitae), Labcorp
Classification: Pathogenic. Last evaluated: 2024-06-05. Review status: criteria provided, single submitter. Criteria: Invitae Variant Classification Sherloc (09022015). Collection method: clinical testing. Allele origin: germline.
Comment: This sequence change replaces glutamine, which is neutral and polar, with arginine, which is basic and polar, at codon 2072 of the COL7A1 protein (p.Gln2072Arg). This variant is not present in population databases (gnomAD no frequency). This missense change has been observed in individual(s) with autosomal dominant epidermolysis bullosa dystrophica (PMID: 23616197, 34046686). It has also been observed to segregate with disease in related individuals. ClinVar contains an entry for this variant (Variation ID: 1711979). Advanced modeling of protein sequence and biophysical properties (such as structural, functional, and spatial information, amino acid conservation, physicochemical variation, residue mobility, and thermodynamic stability) performed at Invitae indicates that this missense variant is not expected to disrupt COL7A1 protein function with a negative predictive value of 95%. Algorithms developed to predict the effect of sequence changes on RNA splicing suggest that this variant may disrupt the consensus splice site. For these reasons, this variant has been classified as Pathogenic.

GeneDx
Classification: Pathogenic. Last evaluated: 2022-10-21. Review status: criteria provided, single submitter. Criteria: GeneDx Variant Classification Process June 2021. Collection method: clinical testing. Allele origin: germline. Affected: yes.
Comment: Replaces the Y position of the canonical Gly-X-Y triple helical repeat region; missense variants in a nearby Y position (R2069C) and in nearby Glycine residues (G2070R, G2070E, G2073R, G2073D, G2073V) have been reported in individuals with epidermolysis bullosa in the Human Gene Mutation Database (HGMD); In silico analysis supports that this missense variant has a deleterious effect on protein structure/function; Not observed at significant frequency in large population cohorts (gnomAD); This variant is associated with the following publications: (PMID: 34543471, 34046686, 23616197)

Literature cited by the submitters: PubMed 23616197 (cited by Labcorp Genetics (formerly Invitae), Labcorp); PubMed 34046686 (cited by Labcorp Genetics (formerly Invitae), Labcorp).